The following is an entry in ClinVar:

ClinVar aggregate classification (germline): Uncertain significance (1 of 4 stars; one submission).

Conditions:
Inborn genetic diseases. Identifiers: MedGen C0950123, MeSH D030342.

Submission:

Ambry Genetics
Classification: Uncertain significance for Inborn genetic diseases. Last evaluated: 2025-11-01. Review status: criteria provided, single submitter. Criteria: Ambry Variant Classification Scheme 2023. Collection method: clinical testing. Allele origin: germline.
Comment: The p.M150V variant (also known as c.448A>G), located in coding exon 2 of the ERCC6L2 gene, results from an A to G substitution at nucleotide position 448. The methionine at codon 150 is replaced by valine, an amino acid with highly similar properties. This amino acid position is conserved. In addition, this alteration is predicted to be deleterious by in silico analysis. Based on the available evidence, the clinical significance of this variant remains unclear.

NM_020207.7(ERCC6L2):c.448A>G (p.Met150Val)

Gene: ERCC6L2 (ERCC excision repair 6 like 2; plus strand). Cytogenetic location: 9q22.32.
Variant type: single nucleotide variant.
Coding change: c.448A>G on transcript NM_020207.7 (MANE Select); coding-DNA position 448, A replaced by G.
Protein change: p.Met150Val; replaces methionine 150 with valine.
Molecular consequence: missense variant. On other transcripts: non-coding transcript variant (1).
Genome position (GRCh38, 1-based): chr9:95,881,270, A>G. VCF-style: chr9-95881270-A-G. GRCh37 (hg19) VCF-style: chr9-98643552-A-G.
Other names: c.448A>G, p.Met150Val (NM_001010895.4, NM_001375291.1, NM_001375292.1 and 2 more transcripts); short protein forms M150V.
Identifiers: ClinVar variation 4618746 (VCV004618746.1).
Genomic context (GRCh38, chr9:95,881,270, plus strand): 5'-GGAACCCGGTTTCTTTATGGACACTACATCCATGGAGGAGGGTGCATTCTGGGTGATGAC[A>G]TGGGACTTGGAAAAACAGTACAGGTATTTAATTATGTTATAACAGTAAAGTCACTTTACT-3'
Protein context (NP_064592.3, residues 140-160): HGGGCILGDD[Met150Val]GLGKTVQVIS